The following is an entry in ClinVar:

NM_145059.3(FCSK):c.2014C>T (p.Arg672Cys)

Gene: FCSK (fucose kinase; plus strand). Cytogenetic location: 16q22.1.
Variant type: single nucleotide variant.
Coding change: c.2014C>T on transcript NM_145059.3 (MANE Select); coding-DNA position 2014, C replaced by T.
Protein change: p.Arg672Cys; replaces arginine 672 with cysteine.
Molecular consequence: missense variant.
Genome position (GRCh38, 1-based): chr16:70,474,553, C>T. VCF-style: chr16-70474553-C-T. GRCh37 (hg19) VCF-style: chr16-70508456-C-T.
Other names: short protein forms R672C.
Identifiers: ClinVar variation 3648385 (VCV003648385.2).
Genomic context (GRCh38, chr16:70,474,553, plus strand): 5'-CTGCATGCCACCATCCCTCCCCCTTCTCTTGGCAGGCCAGCCTTGCTGGTGCGAGCGGCC[C>T]GCCACTATGAGGGGGCTGGTCAGATCCTGATCCGCCAGGCTGTGATGTCAGCCCAGCACT-3'
Protein context (NP_659496.2, residues 662-682): SRPALLVRAA[Arg672Cys]HYEGAGQILI

ClinVar aggregate classification (germline): Uncertain significance (1 of 4 stars; one submission).

gnomAD v4.1: 119 of 1,552,966 alleles (0.0077%); highest among the groups gnomAD compares: African/African-American, 0.0055%; no homozygotes.

Submission:

Labcorp Genetics (formerly Invitae), Labcorp
Classification: Uncertain significance. Last evaluated: 2025-10-21. Review status: criteria provided, single submitter. Criteria: Invitae Variant Classification Sherloc (09022015). Collection method: clinical testing. Allele origin: germline.
Comment: This sequence change replaces arginine, which is basic and polar, with cysteine, which is neutral and slightly polar, at codon 672 of the FUK protein (p.Arg672Cys). This variant is present in population databases (rs35150055, gnomAD 0.1%), and has an allele count higher than expected for a pathogenic variant. This variant has not been reported in the literature in individuals affected with FUK-related conditions. ClinVar contains an entry for this variant (Variation ID: 3648385). An algorithm developed to predict the effect of missense changes on protein structure and function (PolyPhen-2) suggests that this variant is likely to be disruptive. In summary, the available evidence is currently insufficient to determine the role of this variant in disease. Therefore, it has been classified as a Variant of Uncertain Significance.